The following is an entry in ClinVar:

ClinVar aggregate classification (germline): Pathogenic (1 of 4 stars; one submission).

Conditions:
Neurofibromatosis, type 1 (NF1). Also called: NEUROFIBROMATOSIS, TYPE I, SOMATIC; Peripheral type neurofibromatosis; Neurofibromatosis, type I; VON RECKLINGHAUSEN DISEASE. Identifiers: Orphanet 636, MedGen C0027831, MONDO:0018975, OMIM 162200. Disease mechanism: loss of function.

Submission:

Labcorp Genetics (formerly Invitae), Labcorp
Classification: Pathogenic for Neurofibromatosis, type 1. Last evaluated: 2024-12-10. Review status: criteria provided, single submitter. Criteria: Invitae Variant Classification Sherloc (09022015). Collection method: clinical testing. Allele origin: germline.
Comment: This sequence change creates a premature translational stop signal (p.Gln1033Lysfs*3) in the NF1 gene. It is expected to result in an absent or disrupted protein product. Loss-of-function variants in NF1 are known to be pathogenic (PMID: 10712197, 23913538). This variant is not present in population databases (gnomAD no frequency). This variant has not been reported in the literature in individuals affected with NF1-related conditions. For these reasons, this variant has been classified as Pathogenic.

Literature cited by the submitters: PubMed 10712197; PubMed 23913538.

NM_001042492.3(NF1):c.3097del (p.Gln1033fs)

Gene: NF1 (neurofibromin 1; plus strand). Cytogenetic location: 17q11.2.
Variant type: Deletion.
Coding change: c.3097del on transcript NM_001042492.3 (MANE Select); coding-DNA position 3097, one base deleted (C; older notation c.3097delC).
Protein change: p.Gln1033fs; shifts the reading frame from glutamine 1033.
Molecular consequence: frameshift variant.
Genome position (GRCh38, 1-based): chr17:31,230,366, C deleted; the last of 2 consecutive C bases (chr17:31,230,365-31,230,366); deleting either gives the same sequence. VCF-style (leftmost placement, unchanged base first): chr17-31230364-GC-G. GRCh37 (hg19) VCF-style: chr17-29557382-GC-G.
Other names: c.3097delC, p.Gln1033Lysfs (NM_000267.4); short protein forms Q1033fs.
Identifiers: ClinVar variation 3726963 (VCV003726963.2).